The following is an entry in ClinVar:

ClinVar aggregate classification (germline): Likely pathogenic. Review status: criteria provided, single submitter (1 of 4 stars). 2 submissions from 2 submitters: Likely pathogenic (1). 1 of the submissions does not count toward it. Last evaluated 2020-04-20.

Conditions:
Larsen syndrome (LRS). Also called: Bilateral dislocation of the knees, pes cavus, cylindrically shaped fingers and characteristic facies; Larsen syndrome (FLNB-LS). Identifiers: Orphanet 503, MedGen C0175778, MONDO:0007875, OMIM 150250. Disease mechanism: loss of function.

Submissions (2):

Labcorp Genetics (formerly Invitae), Labcorp
Classification: Likely pathogenic. Last evaluated: 2020-04-20. Review status: criteria provided, single submitter. Criteria: Invitae Variant Classification Sherloc (09022015). Collection method: clinical testing. Allele origin: germline.
Comment: In summary, the currently available evidence indicates that the variant is pathogenic, but additional data are needed to prove that conclusively. Therefore, this variant has been classified as Likely Pathogenic. This sequence change replaces leucine with arginine at codon 1431 of the FLNB protein (p.Leu1431Arg). The leucine residue is highly conserved and there is a moderate physicochemical difference between leucine and arginine. This variant is not present in population databases (ExAC no frequency). This variant has been observed in individual(s) with Larsen syndrome (PMID: 16801345). In at least one individual the variant was observed to be de novo. ClinVar contains an entry for this variant (Variation ID: 21281). Algorithms developed to predict the effect of missense changes on protein structure and function (SIFT, PolyPhen-2, Align-GVGD) all suggest that this variant is likely to be disruptive, but these predictions have not been confirmed by published functional studies and their clinical significance is uncertain.

GeneReviews
No classification provided. Condition: Larsen syndrome. Review status: no classification provided. Collection method: literature only. Allele origin: unknown. Not counted in ClinVar's aggregate classification.

Literature cited by the submitters: PubMed 16801345 (cited by Labcorp Genetics (formerly Invitae), Labcorp); PubMed 20301736 (cited by GeneReviews); NCBI Bookshelf NBK2534 (cited by GeneReviews).

NM_001457.4(FLNB):c.4292T>G (p.Leu1431Arg)

Gene: FLNB (filamin B; plus strand). Cytogenetic location: 3p14.3.
Variant type: single nucleotide variant.
Coding change: c.4292T>G on transcript NM_001457.4 (MANE Select); coding-DNA position 4292, T replaced by G.
Protein change: p.Leu1431Arg; replaces leucine 1431 with arginine.
Molecular consequence: missense variant.
Genome position (GRCh38, 1-based): chr3:58,130,810, T>G. VCF-style: chr3-58130810-T-G. GRCh37 (hg19) VCF-style: chr3-58116537-T-G.
Other names: c.4292T>G, p.Leu1431Arg (NM_001164317.2, NM_001164318.2, NM_001164319.2); short protein forms L1431R.
Identifiers: ClinVar variation 21281 (VCV000021281.8), dbSNP rs80356511, ClinGen allele CA341840.